The following is an entry in ClinVar:

ClinVar aggregate classification (germline): Uncertain significance. Review status: criteria provided, multiple submitters, no conflicts (2 of 4 stars). 2 submissions from 2 submitters: Uncertain significance (2). Last evaluated 2025-09-22.

Conditions:
Hereditary cancer-predisposing syndrome. Also called: Hereditary Cancer Syndrome; Hereditary neoplastic syndrome; Tumor predisposition; Neoplastic Syndromes, Hereditary. Identifiers: Orphanet 140162, MedGen C0027672, MeSH D009386, MONDO:0015356.
Bloom syndrome (BLM). Also called: Bloom-Torre-Machacek syndrome. Identifiers: Orphanet 125, MedGen C0005859, MONDO:0008876, OMIM 210900.

Submissions (2):

Labcorp Genetics (formerly Invitae), Labcorp
Classification: Uncertain significance for Bloom syndrome. Last evaluated: 2025-09-22. Review status: criteria provided, single submitter. Criteria: Invitae Variant Classification Sherloc (09022015). Collection method: clinical testing. Allele origin: germline.
Comment: This sequence change replaces isoleucine, which is neutral and non-polar, with phenylalanine, which is neutral and non-polar, at codon 794 of the BLM protein (p.Ile794Phe). This variant is not present in population databases (gnomAD no frequency). This variant has not been reported in the literature in individuals affected with BLM-related conditions. ClinVar contains an entry for this variant (Variation ID: 1790435). Invitae Evidence Modeling of protein sequence and biophysical properties (such as structural, functional, and spatial information, amino acid conservation, physicochemical variation, residue mobility, and thermodynamic stability) indicates that this missense variant is expected to disrupt BLM protein function with a positive predictive value of 80%. In summary, the available evidence is currently insufficient to determine the role of this variant in disease. Therefore, it has been classified as a Variant of Uncertain Significance.

Ambry Genetics
Classification: Uncertain significance for Hereditary cancer-predisposing syndrome. Last evaluated: 2022-05-14. Review status: criteria provided, single submitter. Criteria: Ambry Variant Classification Scheme 2023. Collection method: clinical testing. Allele origin: germline.
Comment: The p.I794F variant (also known as c.2380A>T), located in coding exon 10 of the BLM gene, results from an A to T substitution at nucleotide position 2380. The isoleucine at codon 794 is replaced by phenylalanine, an amino acid with highly similar properties. This amino acid position is conserved. In addition, this alteration is predicted to be deleterious by in silico analysis. Since supporting evidence is limited at this time, the clinical significance of this alteration remains unclear.

NM_000057.4(BLM):c.2380A>T (p.Ile794Phe)

Gene: BLM (BLM RecQ like helicase; plus strand). Cytogenetic location: 15q26.1.
Variant type: single nucleotide variant.
Coding change: c.2380A>T on transcript NM_000057.4 (MANE Select); coding-DNA position 2380, A replaced by T.
Protein change: p.Ile794Phe; replaces isoleucine 794 with phenylalanine.
Molecular consequence: missense variant.
Genome position (GRCh38, 1-based): chr15:90,769,205, A>T. VCF-style: chr15-90769205-A-T. GRCh37 (hg19) VCF-style: chr15-91312435-A-T.
Other names: c.2380A>T, p.Ile794Phe (NM_001287246.2, NM_001287247.2); c.1255A>T, p.Ile419Phe (NM_001287248.2); short protein forms I794F, I419F.
Identifiers: ClinVar variation 1790435 (VCV001790435.3), dbSNP rs2505454792, ClinGen allele CA393845174.